The following is an entry in ClinVar:

NM_001114122.3(CHEK1):c.614-8G>A

Gene: CHEK1 (checkpoint kinase 1; plus strand). Cytogenetic location: 11q24.2.
Variant type: single nucleotide variant.
Coding change: c.614-8G>A on transcript NM_001114122.3 (MANE Select); 8 bases into the intron before coding-DNA position 614, G replaced by A.
Molecular consequence: intron variant.
Genome position (GRCh38, 1-based): chr11:125,635,421, G>A. VCF-style: chr11-125635421-G-A. GRCh37 (hg19) VCF-style: chr11-125505316-G-A.
Other names: c.614-8G>A (NM_001114121.2, NM_001244846.1, NM_001274.5); c.311-8G>A (NM_001330427.2); c.332-8G>A (NM_001330428.1).
Identifiers: ClinVar variation 3036321 (VCV003036321.2), dbSNP rs112837504, ClinGen allele CA6349475.

ClinVar aggregate classification (germline): Likely benign (0 of 4 stars; one submission).

Conditions:
CHEK1-related disorder. Also called: CHEK1-related condition.

Allele frequency attached by ClinVar (database versions not stated): gnomAD exomes 0.00001; ExAC 0.00005; gnomAD 0.00013; TOPMed 0.00016; ESP Exome Variant Server 0.00023; 1000 Genomes Project 0.00040; 1000 Genomes Project 30x 0.00047.
gnomAD v4.1: 38 of 1,526,134 alleles (0.0025%); highest among the groups gnomAD compares: African/African-American, 0.053%; no homozygotes.

Submission:

PreventionGenetics, part of Exact Sciences
Classification: Likely benign for CHEK1-related condition. Last evaluated: 2022-03-25. Review status: no assertion criteria provided. Collection method: clinical testing. Allele origin: germline.
Comment: This variant is classified as likely benign based on ACMG/AMP sequence variant interpretation guidelines (Richards et al. 2015 PMID: 25741868, with internal and published modifications).